The following is an entry in ClinVar:

ClinVar aggregate classification (germline): Uncertain significance (1 of 4 stars; one submission).

Submission:

GeneDx
Classification: Uncertain significance. Last evaluated: 2025-07-18. Review status: criteria provided, single submitter. Criteria: GeneDx Variant Classification Process June 2021. Collection method: clinical testing. Allele origin: germline. Affected: yes.
Comment: Not observed at significant frequency in large population cohorts (gnomAD); Canonical splice site variant in a gene or region of a gene for which loss of function is not a well-established mechanism of disease; Has not been previously published as pathogenic or benign to our knowledge

NM_198503.5(KCNT2):c.1185+1G>C

Gene: KCNT2 (potassium sodium-activated channel subfamily T member 2; minus strand). Cytogenetic location: 1q31.3.
Variant type: single nucleotide variant.
Coding change: c.1185+1G>C on transcript NM_198503.5 (MANE Select); the canonical splice donor site of the intron after coding-DNA position 1185, G replaced by C.
Molecular consequence: splice donor variant.
Genome position (GRCh38, 1-based): chr1:196,423,049, C>G on the plus strand (G>C on the coding strand, the complement: KCNT2 is on the minus strand). VCF-style: chr1-196423049-C-G. GRCh37 (hg19) VCF-style: chr1-196392179-C-G.
Other names: c.1185+1G>C (NM_001287820.3, NM_001287819.3).
Identifiers: ClinVar variation 4686945 (VCV004686945.1).
Genomic context (GRCh38, chr1:196,423,049, plus strand): 5'-ATTAAAAAAAATCTTCTAAAATGGAAAGCACAACTTACTAAAAAAGATTTTAGAAACTTA[C>G]AGATGATGTCCTATCCACTTCACAACGGCTACTGAGAATAAAACAGGCCTCAGCGTCATC-3'